The following is an entry in ClinVar:

NM_005251.3(FOXC2):c.1433_1439del (p.Gln478fs)

Gene: FOXC2 (forkhead box C2; plus strand). Cytogenetic location: 16q24.1.
Variant type: Microsatellite.
Coding change: c.1433_1439del on transcript NM_005251.3 (MANE Select); coding-DNA positions 1433 to 1439, 7 bases deleted (AGCTGCC; older notation c.1433_1439delAGCTGCC).
Protein change: p.Gln478fs; shifts the reading frame from glutamine 478.
Molecular consequence: frameshift variant.
Genome position (GRCh38, 1-based): chr16:86,568,768-86,568,774, AGCTGCC deleted; deleting any 7 consecutive bases within chr16:86,568,757-86,568,774 gives the same sequence; the c. name uses the placement nearest the transcript's 3' end. VCF-style (leftmost placement, unchanged base first): chr16-86568756-ATGCCAGC-A. GRCh37 (hg19) VCF-style: chr16-86602362-ATGCCAGC-A.
Other names: short protein forms Q478fs.
Identifiers: ClinVar variation 4760380 (VCV004760380.2).
Genomic context (GRCh38, chr16:86,568,756, plus strand): 5'-TCAACTCCCACCGGCTGGGGATTGAGAACTCGACCCTCGGGGAGTCCCAGGTGAGTGGCA[ATGCCAGC>A]TGCCAGCTGCCCTACAGATCCACGCCGCCTCTCTATCGCCACGCAGCCCCCTACTCCTAC-3'

ClinVar aggregate classification (germline): Conflicting classifications of pathogenicity. Review status: criteria provided, conflicting classifications (1 of 4 stars). 2 submissions from 2 submitters: Likely pathogenic (1); Uncertain significance (1). Last evaluated 2025-07-23.

Conditions:
Distichiasis-lymphedema syndrome. Also called: LYMPHEDEMA WITH DISTICHIASIS. Identifiers: Orphanet 33001, MedGen C0265345, MONDO:0007922, OMIM 153400.

Submissions (2):

Variantyx, Inc.
Classification: Likely pathogenic for Distichiasis-lymphedema syndrome. Last evaluated: 2025-07-23. Review status: criteria provided, single submitter. Criteria: Variantyx Assertion Criteria 2022. Collection method: clinical testing. Allele origin: germline. Inheritance: Autosomal dominant inheritance. Affected: yes.
Comment: This is a frameshift variant in the FOXC2 gene (OMIM: 602402). Pathogenic variants in this gene have been associated with autosomal dominant lymphedema distichiasis syndrome. This variant introduces a premature termination codon in exon 1 out of 1 and is expected to result in loss of function, which is a known disease mechanism for FOXC2 in this disorder (PMID: 11078474, 11694548, 21918810) (PVS1). It has not been reported in individuals with FOXC2-related disorders in the databases available for review and it is absent from control populations (PM2). Based on the current evidence, this variant is classified as likely pathogenic for autosomal dominant lymphedema distichiasis syndrome.

Labcorp Genetics (formerly Invitae), Labcorp
Classification: Uncertain significance. Last evaluated: 2025-05-04. Review status: criteria provided, single submitter. Criteria: Invitae Variant Classification Sherloc (09022015). Collection method: clinical testing. Allele origin: germline.
Comment: This sequence change creates a premature translational stop signal (p.Gln478Profs*) in the FOXC2 gene. While this is not anticipated to result in nonsense mediated decay, it is expected to disrupt the last 24 amino acid(s) of the FOXC2 protein. This variant is not present in population databases (gnomAD no frequency). This premature translational stop signal has been observed in individual(s) with lymphedema-distichiasis syndrome (internal data). Experimental studies and prediction algorithms are not available or were not evaluated, and the functional significance of this variant is currently unknown. In summary, the available evidence is currently insufficient to determine the role of this variant in disease. Therefore, it has been classified as a Variant of Uncertain Significance.

Literature cited by the submitters: PubMed 11078474 (cited by Variantyx, Inc.); PubMed 11694548 (cited by Variantyx, Inc.); PubMed 21918810 (cited by Variantyx, Inc.).